The following is an entry in ClinVar:

NM_001130004.2(ACTN1):c.817G>A (p.Glu273Lys)

Gene: ACTN1 (actinin alpha 1; minus strand). Cytogenetic location: 14q24.1.
Variant type: single nucleotide variant.
Coding change: c.817G>A on transcript NM_001130004.2 (MANE Select); coding-DNA position 817, G replaced by A.
Protein change: p.Glu273Lys; replaces glutamic acid 273 with lysine.
Molecular consequence: missense variant.
Genome position (GRCh38, 1-based): chr14:68,893,693, C>T on the plus strand (G>A on the coding strand, the complement: ACTN1 is on the minus strand). VCF-style: chr14-68893693-C-T. GRCh37 (hg19) VCF-style: chr14-69360410-C-T.
Other names: c.817G>A, p.Glu273Lys (NM_001102.4, NM_001130005.2, NM_001411035.1); c.622G>A, p.Glu208Lys (NM_001411036.1); short protein forms E273K, E208K.
Identifiers: ClinVar variation 1937568 (VCV001937568.6), dbSNP rs2503479770, ClinGen allele CA390189252.

ClinVar aggregate classification (germline): Uncertain significance. Review status: criteria provided, multiple submitters, no conflicts (2 of 4 stars). 2 submissions from 2 submitters: Uncertain significance (2). Last evaluated 2022-10-08.

Conditions:
Inborn genetic diseases. Identifiers: MedGen C0950123, MeSH D030342.

Allele frequency attached by ClinVar (database versions not stated): gnomAD exomes below 0.00001.
gnomAD v4.1: 3 of 1,614,162 alleles (0.00019%); highest among the groups gnomAD compares: Non-Finnish European, 0.00025%; no homozygotes.

Submissions (2):

Labcorp Genetics (formerly Invitae), Labcorp
Classification: Uncertain significance. Last evaluated: 2022-10-08. Review status: criteria provided, single submitter. Criteria: Invitae Variant Classification Sherloc (09022015). Collection method: clinical testing. Allele origin: germline.
Comment: Advanced modeling of protein sequence and biophysical properties (such as structural, functional, and spatial information, amino acid conservation, physicochemical variation, residue mobility, and thermodynamic stability) performed at Invitae indicates that this missense variant is not expected to disrupt ACTN1 protein function. In summary, the available evidence is currently insufficient to determine the role of this variant in disease. Therefore, it has been classified as a Variant of Uncertain Significance. This variant is not present in population databases (gnomAD no frequency). This sequence change replaces glutamic acid, which is acidic and polar, with lysine, which is basic and polar, at codon 273 of the ACTN1 protein (p.Glu273Lys). This variant has not been reported in the literature in individuals affected with ACTN1-related conditions.

Ambry Genetics
Classification: Uncertain significance for Inborn genetic diseases. Last evaluated: 2022-04-08. Review status: criteria provided, single submitter. Criteria: Ambry Variant Classification Scheme 2023. Collection method: clinical testing. Allele origin: germline.